The following is an entry in ClinVar:

ClinVar aggregate classification (germline): Uncertain significance. Review status: criteria provided, multiple submitters, no conflicts (2 of 4 stars). 3 submissions from 3 submitters: Uncertain significance (3). Last evaluated 2026-02-10.

Conditions:
CACNA1F-related disorder. Also called: CACNA1F-related condition.

Allele frequency attached by ClinVar (database versions not stated): gnomAD 0.00001; gnomAD exomes 0.00001; TOPMed 0.00001.
gnomAD v4.1: 15 of 1,170,026 alleles (0.0013%); highest among the groups gnomAD compares: Non-Finnish European, 0.0017%; no homozygotes.

Submissions (3):

PreventionGenetics, part of Exact Sciences
Classification: Uncertain significance for CACNA1F-related condition. Last evaluated: 2026-02-10. Review status: criteria provided, single submitter. Criteria: ACMG Guidelines, 2015. Collection method: clinical testing. Allele origin: germline.
Comment: The CACNA1F c.2899A>T variant is predicted to result in the amino acid substitution p.Ile967Phe. To our knowledge, this variant has not been reported in the literature. This variant is reported in 0.011% of alleles in individuals of European (Non-Finnish) descent in gnomAD; however, in the newest dataset (v4.1), this variant was identified in 5 hemizygotes, which may be too frequent to be a primary cause of disease. Although we suspect that this variant may be benign, at this time, the clinical significance of this variant is uncertain due to the absence of conclusive functional and genetic evidence.

Labcorp Genetics (formerly Invitae), Labcorp
Classification: Uncertain significance. Last evaluated: 2025-04-16. Review status: criteria provided, single submitter. Criteria: Invitae Variant Classification Sherloc (09022015). Collection method: clinical testing. Allele origin: germline.
Comment: This sequence change replaces isoleucine, which is neutral and non-polar, with phenylalanine, which is neutral and non-polar, at codon 967 of the CACNA1F protein (p.Ile967Phe). This variant is not present in population databases (gnomAD no frequency). This variant has not been reported in the literature in individuals affected with CACNA1F-related conditions. ClinVar contains an entry for this variant (Variation ID: 842204). Invitae Evidence Modeling of protein sequence and biophysical properties (such as structural, functional, and spatial information, amino acid conservation, physicochemical variation, residue mobility, and thermodynamic stability) indicates that this missense variant is expected to disrupt CACNA1F protein function with a positive predictive value of 80%. In summary, the available evidence is currently insufficient to determine the role of this variant in disease. Therefore, it has been classified as a Variant of Uncertain Significance.

Blueprint Genetics
Classification: Uncertain significance. Last evaluated: 2024-11-21. Review status: criteria provided, single submitter. Criteria: ACMG Guidelines, 2015. Collection method: clinical testing. Allele origin: germline.

NM_001256789.3(CACNA1F):c.2866A>T (p.Ile956Phe)

Gene: CACNA1F (calcium voltage-gated channel subunit alpha1 F; minus strand). Cytogenetic location: Xp11.23.
Variant type: single nucleotide variant.
Coding change: c.2866A>T on transcript NM_001256789.3 (MANE Select); coding-DNA position 2866, A replaced by T.
Protein change: p.Ile956Phe; replaces isoleucine 956 with phenylalanine.
Molecular consequence: missense variant.
Genome position (GRCh38, 1-based): chrX:49,218,517, T>A on the plus strand (A>T on the coding strand, the complement: CACNA1F is on the minus strand). VCF-style: chrX-49218517-T-A. GRCh37 (hg19) VCF-style: chrX-49074976-T-A.
Other names: c.2704A>T, p.Ile902Phe (NM_001256790.3); c.2899A>T, p.Ile967Phe (NM_005183.4); short protein forms I902F, I956F, I967F.
Identifiers: ClinVar variation 842204 (VCV000842204.9), dbSNP rs1284819409, ClinGen allele CA412964692.